The following is an entry in ClinVar:

ClinVar aggregate classification (germline): Uncertain significance (1 of 4 stars; one submission).

Submission:

GeneDx
Classification: Uncertain significance. Last evaluated: 2025-09-19. Review status: criteria provided, single submitter. Criteria: GeneDx Variant Classification Process June 2021. Collection method: clinical testing. Allele origin: germline. Affected: yes.
Comment: Not observed in large population cohorts (gnomAD); In silico analysis, which includes protein predictors and evolutionary conservation, supports a deleterious effect; Missense variants in this gene are a common cause of disease and they are underrepresented in the general population; Has not been previously published as pathogenic or benign to our knowledge

NM_001614.5(ACTG1):c.359C>G (p.Thr120Ser)

Gene: ACTG1 (actin gamma 1; minus strand). Cytogenetic location: 17q25.3.
Variant type: single nucleotide variant.
Coding change: c.359C>G on transcript NM_001614.5 (MANE Select); coding-DNA position 359, C replaced by G.
Protein change: p.Thr120Ser; replaces threonine 120 with serine.
Molecular consequence: missense variant. On other transcripts: non-coding transcript variant (1).
Genome position (GRCh38, 1-based): chr17:81,511,907, G>C on the plus strand (C>G on the coding strand, the complement: ACTG1 is on the minus strand). VCF-style: chr17-81511907-G-C. GRCh37 (hg19) VCF-style: chr17-79478933-G-C.
Other names: c.359C>G, p.Thr120Ser (NM_001199954.3); short protein forms T120S.
Identifiers: ClinVar variation 2136023 (VCV002136023.2), dbSNP rs281875325, ClinGen allele CA401462835.